The following is an entry in ClinVar:

ClinVar aggregate classification (germline): Uncertain significance (1 of 4 stars; one submission).

Conditions:
Developmental and epileptic encephalopathy, 1 (DEE1). Also called: OHTAHARA SYNDROME, X-LINKED; Epileptic encephalopathy, early infantile, 1; X-linked infantile spasms; West's syndrome; Tonic spasms with clustering, arrest of psychomotor development and hypsarrhythmia on EEG; X-Linked Infantile Spasm Syndrome. Identifiers: MedGen C3463992, MONDO:0010632, OMIM 308350. Disease mechanism: loss of function.
Intellectual disability, X-linked, with or without seizures, ARX-related. Also called: Mental retardation, X-linked 52; INTELLECTUAL DEVELOPMENTAL DISORDER, X-LINKED 29; MENTAL RETARDATION, X-LINKED 29; MENTAL RETARDATION, X-LINKED 32; MENTAL RETARDATION, X-LINKED 33; MENTAL RETARDATION, X-LINKED 38. Identifiers: Orphanet 777, MedGen C0796244, MONDO:0010317, OMIM 300419.

Submission:

Labcorp Genetics (formerly Invitae), Labcorp
Classification: Uncertain significance for Epileptic encephalopathy, early infantile, 1; Mental retardation, with or without seizures, ARX-related, X-linked. Last evaluated: 2018-05-22. Review status: criteria provided, single submitter. Criteria: Invitae Variant Classification Sherloc (09022015). Collection method: clinical testing. Allele origin: germline.
Comment: This sequence change results in a premature translational stop signal in the ARX gene (p.Ala507Glyfs*11). While this is not anticipated to result in nonsense mediated decay, it is expected to delete the last 58 amino acids of the ARX protein. While this variant is not present in population databases, the frequency information is unreliable, as metrics indicate poor data quality at this position in the ExAC database. This variant has not been reported in the literature in individuals with ARX-related disease. The observation of a missense substitution downstream of this variant (p.Ala521Thr) in an affected individual withÂ¬â€ X-linked lissencephaly and ambiguous genitalia suggests that this may be a clinically significant region of the ARX protein (PMID: 14722918). In summary, the available evidence is currently insufficient to determine the role of this variant in disease. Therefore, it has been classified as a Variant of Uncertain Significance.

Literature cited by the submitters: PubMed 14722918.

NM_139058.3(ARX):c.1520_1560del (p.Ala507fs)

Gene: ARX (aristaless related homeobox; minus strand). Cytogenetic location: Xp21.3.
Variant type: Deletion.
Coding change: c.1520_1560del on transcript NM_139058.3 (MANE Select); coding-DNA positions 1520 to 1560, 41 bases deleted.
Protein change: p.Ala507fs; shifts the reading frame from alanine 507.
Molecular consequence: frameshift variant.
Genome position (GRCh38, 1-based): chrX:25,004,799-25,004,839, 41 bases deleted; deleting any 41 consecutive bases within chrX:25,004,799-25,004,844 gives the same sequence; the c. name uses the placement nearest the transcript's 3' end. GRCh37 (hg19): chrX:25,022,921-25,022,961.
Other names: short protein forms A507fs.
Identifiers: ClinVar variation 574104 (VCV000574104.1), dbSNP rs1569393457, ClinGen allele CA891843837.